The following is an entry in ClinVar:

NM_014251.3(SLC25A13):c.70T>C (p.Tyr24His)

Gene: SLC25A13 (solute carrier family 25 member 13; minus strand). Cytogenetic location: 7q21.3.
Variant type: single nucleotide variant.
Coding change: c.70T>C on transcript NM_014251.3 (MANE Select); coding-DNA position 70, T replaced by C.
Protein change: p.Tyr24His; replaces tyrosine 24 with histidine.
Molecular consequence: missense variant. On other transcripts: non-coding transcript variant (1).
Genome position (GRCh38, 1-based): chr7:96,277,338, A>G on the plus strand (T>C on the coding strand, the complement: SLC25A13 is on the minus strand). VCF-style: chr7-96277338-A-G. GRCh37 (hg19) VCF-style: chr7-95906650-A-G.
Other names: c.70T>C, p.Tyr24His (NM_001160210.2); short protein forms Y24H.
Identifiers: ClinVar variation 3359953 (VCV003359953.2).
Genomic context (GRCh38, chr7:96,277,338, plus strand): 5'-ATCGAGTGACAAAGTCATTGGGGGACATGAAAAATTCACCGTTTTTCTCAATGCTTGCAT[A>G]CTGTTTAAAAAAAAGAAAAACAGTATTTTATATATTTGATTTTCAACAGTATATAATCAT-3'
Protein context (NP_055066.1, residues 14-34): PAELRTIFLK[Tyr24His]ASIEKNGEFF

ClinVar aggregate classification (germline): Uncertain significance (1 of 4 stars; one submission).

gnomAD v4.1: 10 of 1,611,058 alleles (0.00062%); highest among the groups gnomAD compares: Admixed American, 0.017%; no homozygotes.

Submission:

GeneDx
Classification: Uncertain significance. Last evaluated: 2025-01-12. Review status: criteria provided, single submitter. Criteria: GeneDx Variant Classification Process June 2021. Collection method: clinical testing. Allele origin: germline.
Comment: In silico analysis supports that this missense variant has a deleterious effect on protein structure/function; Has not been previously published as pathogenic or benign to our knowledge